The following is an entry in ClinVar:

ClinVar aggregate classification (germline): Likely pathogenic (1 of 4 stars; one submission).

Conditions:
Intellectual disability, X-linked 49 (MRXSRC). Also called: CLCN4-related X-linked intellectual disability syndrome; RAYNAUD-CLAES SYNDROME; MENTAL RETARDATION, X-LINKED 15; MRX49; CLCN4-Related Neurodevelopmental Disorder. Identifiers: Orphanet 485350, Orphanet 777, MedGen C0796221, MONDO:0010250, OMIM 300114.

Submission:

Laboratorio de Genética, Hospital Universitario Reina Sofía
Classification: Likely pathogenic for Intellectual disability, X-linked 49. Review status: criteria provided, single submitter. Criteria: ACMG Guidelines, 2015. Collection method: clinical testing. Allele origin: germline. Inheritance: X-linked inheritance. Affected: yes and no.
Comment: According to ACMG recommendations, this variant is classified as 'likely pathogenic' as it meets the following criteria: PM1, PM2, PP1, and PP3.

NM_001830.4(CLCN4):c.812C>G (p.Pro271Arg)

Gene: CLCN4 (Cl-/H+ antiporter 4; plus strand). Cytogenetic location: Xp22.2.
Variant type: single nucleotide variant.
Coding change: c.812C>G on transcript NM_001830.4 (MANE Select); coding-DNA position 812, C replaced by G.
Protein change: p.Pro271Arg; replaces proline 271 with arginine.
Molecular consequence: missense variant.
Genome position (GRCh38, 1-based): chrX:10,206,745, C>G. VCF-style: chrX-10206745-C-G. GRCh37 (hg19) VCF-style: chrX-10174785-C-G.
Other names: c.530C>G, p.Pro177Arg (NM_001256944.2); short protein forms P177R, P271R.
Identifiers: ClinVar variation 3901834 (VCV003901834.1).